The following is an entry in ClinVar:

NM_004153.4(ORC1):c.1318T>C (p.Ser440Pro)

Gene: ORC1 (origin recognition complex subunit 1; minus strand). Cytogenetic location: 1p32.3.
Variant type: single nucleotide variant.
Coding change: c.1318T>C on transcript NM_004153.4 (MANE Select); coding-DNA position 1318, T replaced by C.
Protein change: p.Ser440Pro; replaces serine 440 with proline.
Molecular consequence: missense variant.
Genome position (GRCh38, 1-based): chr1:52,388,507, A>G on the plus strand (T>C on the coding strand, the complement: ORC1 is on the minus strand). VCF-style: chr1-52388507-A-G. GRCh37 (hg19) VCF-style: chr1-52854179-A-G.
Other names: c.1318T>C, p.Ser440Pro (NM_001190818.2, NM_001190819.2); short protein forms S440P.
Identifiers: ClinVar variation 211798 (VCV000211798.58), dbSNP rs61756136, ClinGen allele CA206551.

ClinVar aggregate classification (germline): Conflicting classifications of pathogenicity. Review status: criteria provided, conflicting classifications (1 of 4 stars). 6 submissions from 6 submitters: Uncertain significance (1); Benign (2); Likely benign (2). 1 of the submissions does not count toward it. Last evaluated 2026-01-07.

Conditions:
ORC1-related disorder. Also called: ORC1-related condition.
Meier-Gorlin syndrome 1 (MGORS1). Also called: EAR, PATELLA, SHORT STATURE SYNDROME. Identifiers: Orphanet 2554, MedGen C4552001, MONDO:0009143, OMIM 224690.

Allele frequency attached by ClinVar (database versions not stated): 1000 Genomes Project 30x 0.00047; 1000 Genomes Project 0.00060; gnomAD 0.00066 and 0.00070; TOPMed 0.00079; ESP Exome Variant Server 0.00085; ExAC 0.00098; gnomAD exomes 0.00108.
gnomAD v4.1: 1,259 of 1,614,188 alleles (0.078%); highest among the groups gnomAD compares: Middle Eastern, 2.4%; 10 homozygotes.

Submissions (6):

Labcorp Genetics (formerly Invitae), Labcorp
Classification: Benign. Last evaluated: 2026-01-07. Review status: criteria provided, single submitter. Criteria: Invitae Variant Classification Sherloc (09022015). Collection method: clinical testing. Allele origin: germline.

Blueprint Genetics
Classification: Likely benign. Last evaluated: 2024-11-26. Review status: criteria provided, single submitter. Criteria: ACMG Guidelines, 2015. Collection method: clinical testing. Allele origin: germline.

CeGaT Center for Human Genetics Tuebingen
Classification: Benign. Last evaluated: 2023-02-01. Review status: criteria provided, single submitter. Criteria: CeGaT Center For Human Genetics Tuebingen Variant Classification Criteria Version 2. Collection method: clinical testing. Allele origin: germline. Affected: yes. Observed: 2 variant alleles.
Comment: ORC1: BP4, BS1, BS2

Genetic Services Laboratory, University of Chicago
Classification: Likely benign. Last evaluated: 2020-07-30. Review status: criteria provided, single submitter. Criteria: ACMG Guidelines, 2015. Collection method: clinical testing. Allele origin: germline. Affected: no.

Illumina Laboratory Services, Illumina
Classification: Uncertain significance for Meier-Gorlin syndrome 1. Last evaluated: 2018-01-13. Review status: criteria provided, single submitter. Criteria: ICSL Variant Classification Criteria 13 December 2019. Collection method: clinical testing. Allele origin: germline.

PreventionGenetics, part of Exact Sciences
Classification: Likely benign for ORC1-related condition. Last evaluated: 2019-05-20. Review status: no assertion criteria provided. Collection method: clinical testing. Allele origin: germline. Not counted in ClinVar's aggregate classification.
Comment: This variant is classified as likely benign based on ACMG/AMP sequence variant interpretation guidelines (Richards et al. 2015 PMID: 25741868, with internal and published modifications).